The following is an entry in ClinVar:

NM_013275.6(ANKRD11):c.6589dup (p.Thr2197fs)

Gene: ANKRD11 (ankyrin repeat domain 11; minus strand). Cytogenetic location: 16q24.3.
Variant type: Duplication.
Coding change: c.6589dup on transcript NM_013275.6 (MANE Select); coding-DNA position 6589, one base duplicated (A; older notation c.6589dupA).
Protein change: p.Thr2197fs; shifts the reading frame from threonine 2197.
Molecular consequence: frameshift variant.
Genome position (GRCh38, 1-based): chr16:89,279,953, T duplicated on the plus strand (A on the coding strand, the reverse complement: ANKRD11 is on the minus strand). VCF-style (leftmost placement, unchanged base first): chr16-89279952-G-GT. GRCh37 (hg19) VCF-style: chr16-89346360-G-GT.
Other names: c.6589dup, p.Thr2197fs (NM_001256182.2, NM_001256183.2); short protein forms T2197fs.
Identifiers: ClinVar variation 2498677 (VCV002498677.28), dbSNP rs2544221638, ClinGen allele CA2580092386.

ClinVar aggregate classification (germline): Pathogenic (1 of 4 stars; one submission).

Submission:

CeGaT Center for Human Genetics Tuebingen
Classification: Pathogenic. Last evaluated: 2023-01-01. Review status: criteria provided, single submitter. Criteria: CeGaT Center For Human Genetics Tuebingen Variant Classification Criteria Version 2. Collection method: clinical testing. Allele origin: germline. Affected: yes. Observed: 1 variant allele.
Comment: ANKRD11: PVS1, PS2, PM2